The following is an entry in ClinVar:

ClinVar aggregate classification (germline): Uncertain significance. Review status: criteria provided, multiple submitters, no conflicts (2 of 4 stars). 2 submissions from 2 submitters: Uncertain significance (2). Last evaluated 2022-08-08.

Conditions:
Autosomal dominant limb-girdle muscular dystrophy type 1F (LGMDD2). Also called: MUSCULAR DYSTROPHY, LIMB-GIRDLE, AUTOSOMAL DOMINANT 2; Limb-girdle muscular dystrophy, type 1F. Identifiers: Orphanet 55595, MedGen C1842062, MONDO:0012034, OMIM 608423.
Inborn genetic diseases. Identifiers: MedGen C0950123, MeSH D030342.

Submissions (2):

Ambry Genetics
Classification: Uncertain significance for Inborn genetic diseases. Last evaluated: 2022-08-08. Review status: criteria provided, single submitter. Criteria: Ambry Variant Classification Scheme 2023. Collection method: clinical testing. Allele origin: germline.

Labcorp Genetics (formerly Invitae), Labcorp
Classification: Uncertain significance for Autosomal dominant limb-girdle muscular dystrophy type 1F. Last evaluated: 2021-11-12. Review status: criteria provided, single submitter. Criteria: Invitae Variant Classification Sherloc (09022015). Collection method: clinical testing. Allele origin: germline.
Comment: In summary, the available evidence is currently insufficient to determine the role of this variant in disease. Therefore, it has been classified as a Variant of Uncertain Significance. Algorithms developed to predict the effect of missense changes on protein structure and function (SIFT, PolyPhen-2, Align-GVGD) all suggest that this variant is likely to be tolerated. This variant has not been reported in the literature in individuals affected with TNPO3-related conditions. This variant is not present in population databases (gnomAD no frequency). This sequence change replaces valine, which is neutral and non-polar, with methionine, which is neutral and non-polar, at codon 691 of the TNPO3 protein (p.Val691Met).

NM_012470.4(TNPO3):c.2071G>A (p.Val691Met)

Gene: TNPO3 (transportin 3; minus strand). Cytogenetic location: 7q32.1.
Variant type: single nucleotide variant.
Coding change: c.2071G>A on transcript NM_012470.4 (MANE Select); coding-DNA position 2071, G replaced by A.
Protein change: p.Val691Met; replaces valine 691 with methionine.
Molecular consequence: missense variant. On other transcripts: non-coding transcript variant (18).
Genome position (GRCh38, 1-based): chr7:128,975,926, C>T on the plus strand (G>A on the coding strand, the complement: TNPO3 is on the minus strand). VCF-style: chr7-128975926-C-T. GRCh37 (hg19) VCF-style: chr7-128615980-C-T.
Other names: c.2071G>A (NM_012470.3); c.1879G>A, p.Val627Met (NM_001191028.3, NM_001382223.1); c.2173G>A, p.Val725Met (NM_001382216.1); c.2152G>A, p.Val718Met (NM_001382217.1); c.2071G>A, p.Val691Met (NM_001382218.1); c.1963G>A, p.Val655Met (NM_001382219.1); c.1930G>A, p.Val644Met (NM_001382220.1); c.1927G>A, p.Val643Met (NM_001382221.1); and 1 more; short protein forms V644M, V725M, V627M, V655M, V691M, V718M, V642M, V643M.
Identifiers: ClinVar variation 1422082 (VCV001422082.7), dbSNP rs1203231715, ClinGen allele CA369218408.